The following is an entry in ClinVar:

NM_015151.4(DIP2A):c.1283T>C (p.Ile428Thr)

Gene: DIP2A (DIP2 acetate--CoA ligase A; plus strand). Cytogenetic location: 21q22.3.
Variant type: single nucleotide variant.
Coding change: c.1283T>C on transcript NM_015151.4 (MANE Select); coding-DNA position 1283, T replaced by C.
Protein change: p.Ile428Thr; replaces isoleucine 428 with threonine.
Molecular consequence: missense variant.
Genome position (GRCh38, 1-based): chr21:46,532,215, T>C. VCF-style: chr21-46532215-T-C. GRCh37 (hg19) VCF-style: chr21-47952128-T-C.
Other names: c.1154T>C, p.Ile385Thr (NM_001146115.2); c.1271T>C, p.Ile424Thr (NM_001146116.2); c.1286T>C, p.Ile429Thr (NM_001353942.2); c.1283T>C, p.Ile428Thr (NM_001353943.2, NM_001410751.1, NM_206889.3 and 2 more transcripts); c.1034T>C, p.Ile345Thr (NM_001353944.2); short protein forms I345T, I385T, I424T, I428T, I429T.
Identifiers: ClinVar variation 3038865 (VCV003038865.10), dbSNP rs192323584, ClinGen allele CA10081946.
Genomic context (GRCh38, chr21:46,532,215, plus strand): 5'-CTGTGATGTTCATGGTTGCATTTTATGGGTGTCTCCTGGCAGAGCTGGTTCCTGTCCCCA[T>C]AGAAGTGCCATTAACAAGAAAGGTAGCAAACCCATGGCTCAGGTCCCGTGTGGTTCGCTT-3'
Protein context (NP_055966.2, residues 418-438): CLLAELVPVP[Ile428Thr]EVPLTRKDAG

ClinVar aggregate classification (germline): Likely benign. Review status: criteria provided, single submitter (1 of 4 stars). 2 submissions from 2 submitters: Likely benign (1). 1 of the submissions does not count toward it. Last evaluated 2025-07-01.

Conditions:
DIP2A-related disorder. Also called: DIP2A-related condition.

Allele frequency attached by ClinVar (database versions not stated): TOPMed 0.00232; ExAC 0.00234; gnomAD 0.00238; ESP Exome Variant Server 0.00277; gnomAD exomes 0.00361; 1000 Genomes Project 30x 0.00109; 1000 Genomes Project 0.00140.
gnomAD v4.1: 5,694 of 1,613,896 alleles (0.35%); highest among the groups gnomAD compares: Non-Finnish European, 0.44%; 11 homozygotes.

Submissions (2):

CeGaT Center for Human Genetics Tuebingen
Classification: Likely benign. Last evaluated: 2025-07-01. Review status: criteria provided, single submitter. Criteria: CeGaT Center For Human Genetics Tuebingen Variant Classification Criteria Version 2. Collection method: clinical testing. Allele origin: germline. Affected: yes. Observed: 1 variant allele.
Comment: DIP2A: BS2

PreventionGenetics, part of Exact Sciences
Classification: Likely benign for DIP2A-related condition. Last evaluated: 2022-05-18. Review status: no assertion criteria provided. Collection method: clinical testing. Allele origin: germline. Not counted in ClinVar's aggregate classification.
Comment: This variant is classified as likely benign based on ACMG/AMP sequence variant interpretation guidelines (Richards et al. 2015 PMID: 25741868, with internal and published modifications).